The following is an entry in ClinVar:

NM_000521.4(HEXB):c.20G>A (p.Gly7Glu)

Gene: HEXB (hexosaminidase subunit beta; plus strand). Cytogenetic location: 5q13.3.
Variant type: single nucleotide variant.
Coding change: c.20G>A on transcript NM_000521.4 (MANE Select); coding-DNA position 20, G replaced by A.
Protein change: p.Gly7Glu; replaces glycine 7 with glutamic acid.
Molecular consequence: missense variant. On other transcripts: intron variant (1).
Genome position (GRCh38, 1-based): chr5:74,685,280, G>A. VCF-style: chr5-74685280-G-A. GRCh37 (hg19) VCF-style: chr5-73981105-G-A.
Other names: c.-376-4048G>A (NM_001292004.2); c.20G>A (NM_000521.3); short protein forms G7E.
Identifiers: ClinVar variation 2175148 (VCV002175148.2), dbSNP rs1029681294, ClinGen allele CA360061939.

ClinVar aggregate classification (germline): Uncertain significance. Review status: criteria provided, multiple submitters, no conflicts (2 of 4 stars). 2 submissions from 2 submitters: Uncertain significance (2). Last evaluated 2024-05-30.

Conditions:
Sandhoff disease. Also called: GM2-GANGLIOSIDOSIS, TYPE II; HEXOSAMINIDASES A AND B DEFICIENCY; Beta-hexosaminidase-beta-subunit deficiency; GM2 gangliosidosis, type 2; Total hexosaminidase deficiency; Sandhoff-Jatzkewitz-Pilz disease. Identifiers: Orphanet 796, MedGen C0036161, MONDO:0010006, OMIM 268800.
Inborn genetic diseases. Identifiers: MedGen C0950123, MeSH D030342.

Submissions (2):

Ambry Genetics
Classification: Uncertain significance for Inborn genetic diseases. Last evaluated: 2024-05-30. Review status: criteria provided, single submitter. Criteria: Ambry Variant Classification Scheme 2023. Collection method: clinical testing. Allele origin: germline.

Labcorp Genetics (formerly Invitae), Labcorp
Classification: Uncertain significance for Sandhoff disease. Last evaluated: 2022-02-24. Review status: criteria provided, single submitter. Criteria: Invitae Variant Classification Sherloc (09022015). Collection method: clinical testing. Allele origin: germline.
Comment: This sequence change replaces glycine, which is neutral and non-polar, with glutamic acid, which is acidic and polar, at codon 7 of the HEXB protein (p.Gly7Glu). The frequency data for this variant in the population databases is considered unreliable, as metrics indicate poor data quality at this position in the gnomAD database. This variant has not been reported in the literature in individuals affected with HEXB-related conditions. Advanced modeling of protein sequence and biophysical properties (such as structural, functional, and spatial information, amino acid conservation, physicochemical variation, residue mobility, and thermodynamic stability) performed at Invitae indicates that this missense variant is not expected to disrupt HEXB protein function. In summary, the available evidence is currently insufficient to determine the role of this variant in disease. Therefore, it has been classified as a Variant of Uncertain Significance.